The following is an entry in ClinVar:

NM_001378609.3(OTOGL):c.6058G>A (p.Asp2020Asn)

Gene: OTOGL (otogelin like; plus strand). Cytogenetic location: 12q21.31.
Variant type: single nucleotide variant.
Coding change: c.6058G>A on transcript NM_001378609.3 (MANE Select); coding-DNA position 6058, G replaced by A.
Protein change: p.Asp2020Asn; replaces aspartic acid 2020 with asparagine.
Molecular consequence: missense variant.
Genome position (GRCh38, 1-based): chr12:80,358,286, G>A. VCF-style: chr12-80358286-G-A. GRCh37 (hg19) VCF-style: chr12-80752066-G-A.
Other names: c.5923G>A, p.Asp1975Asn (NM_001368062.3); c.6058G>A, p.Asp2020Asn (NM_001378610.3, NM_173591.7); short protein forms D1975N, D2020N.
Identifiers: ClinVar variation 2532739 (VCV002532739.3), dbSNP rs377192610, ClinGen allele CA6701902.

ClinVar aggregate classification (germline): Uncertain significance. Review status: criteria provided, multiple submitters, no conflicts (2 of 4 stars). 2 submissions from 2 submitters: Uncertain significance (2). Last evaluated 2026-04-06.

Conditions:
Inborn genetic diseases. Identifiers: MedGen C0950123, MeSH D030342.

Allele frequency attached by ClinVar (database versions not stated): ExAC 0.00002; gnomAD 0.00001; ESP Exome Variant Server 0.00008; TOPMed 0.00002.
gnomAD v4.1: 10 of 1,612,160 alleles (0.00062%); highest among the groups gnomAD compares: Admixed American, 0.0033%; no homozygotes.

Submissions (2):

GeneDx
Classification: Uncertain significance. Last evaluated: 2026-04-06. Review status: criteria provided, single submitter. Criteria: GeneDx Variant Classification Process June 2021. Collection method: clinical testing. Allele origin: germline.
Comment: Not observed at significant frequency in large population cohorts (gnomAD); In silico analysis supports that this missense variant has a deleterious effect on protein structure/function; Has not been previously published as pathogenic or benign to our knowledge

Ambry Genetics
Classification: Uncertain significance for Inborn genetic diseases. Last evaluated: 2023-04-04. Review status: criteria provided, single submitter. Criteria: Ambry Variant Classification Scheme 2023. Collection method: clinical testing. Allele origin: germline.